The following is an entry in ClinVar:

ClinVar aggregate classification (germline): Uncertain significance. Review status: criteria provided, multiple submitters, no conflicts (2 of 4 stars). 2 submissions from 2 submitters: Uncertain significance (2). Last evaluated 2022-07-17.

Conditions:
Neuromuscular disease caused by qualitative or quantitative defects of dysferlin. Also called: Qualitative or quantitative defects of dysferlin; Dysferlinopathy. Identifiers: Orphanet 207073, MedGen C2931687, MONDO:0016145.

Allele frequency attached by ClinVar (database versions not stated): gnomAD 0.00002; TOPMed 0.00003; 1000 Genomes Project 30x 0.00016; 1000 Genomes Project 0.00020.

Submissions (2):

Labcorp Genetics (formerly Invitae), Labcorp
Classification: Uncertain significance for Neuromuscular disease caused by qualitative or quantitative defects of dysferlin. Last evaluated: 2022-07-17. Review status: criteria provided, single submitter. Criteria: Invitae Variant Classification Sherloc (09022015). Collection method: clinical testing. Allele origin: germline.
Comment: This sequence change replaces arginine, which is basic and polar, with tryptophan, which is neutral and slightly polar, at codon 302 of the DYSF protein (p.Arg302Trp). This variant is present in population databases (rs184771575, gnomAD 0.008%). This variant has not been reported in the literature in individuals affected with DYSF-related conditions. ClinVar contains an entry for this variant (Variation ID: 1360207). Algorithms developed to predict the effect of missense changes on protein structure and function are either unavailable or do not agree on the potential impact of this missense change (SIFT: "Deleterious"; PolyPhen-2: "Probably Damaging"; Align-GVGD: "Class C0"). Algorithms developed to predict the effect of sequence changes on RNA splicing suggest that this variant may disrupt the consensus splice site. In summary, the available evidence is currently insufficient to determine the role of this variant in disease. Therefore, it has been classified as a Variant of Uncertain Significance.

Revvity Omics, Revvity
Classification: Uncertain significance. Last evaluated: 2020-03-20. Review status: criteria provided, single submitter. Criteria: ACMG Guidelines, 2015. Collection method: clinical testing. Allele origin: germline.

NM_001130987.2(DYSF):c.1000C>T (p.Arg334Trp)

Gene: DYSF (dysferlin; plus strand). Cytogenetic location: 2p13.2.
Variant type: single nucleotide variant.
Coding change: c.1000C>T on transcript NM_001130987.2 (MANE Select); coding-DNA position 1000, C replaced by T.
Protein change: p.Arg334Trp; replaces arginine 334 with tryptophan.
Molecular consequence: missense variant.
Genome position (GRCh38, 1-based): chr2:71,517,037, C>T. VCF-style: chr2-71517037-C-T. GRCh37 (hg19) VCF-style: chr2-71744167-C-T.
Other names: c.904C>T (NM_003494.3); c.907C>T, p.Arg303Trp (NM_001130455.2, NM_001130983.2, NM_001130984.2 and 1 more transcripts); c.904C>T, p.Arg302Trp (NM_001130976.2, NM_001130977.2, NM_001130978.2 and 1 more transcripts); c.997C>T, p.Arg333Trp (NM_001130979.2, NM_001130980.2, NM_001130981.2); c.1000C>T, p.Arg334Trp (NM_001130982.2, NM_001130985.2); short protein forms R302W, R303W, R334W, R333W.
Identifiers: ClinVar variation 1360207 (VCV001360207.5), dbSNP rs184771575, ClinGen allele CA1705541.